The following is an entry in ClinVar:

ClinVar aggregate classification (germline): Uncertain significance. Review status: criteria provided, single submitter (1 of 4 stars). 2 submissions from 2 submitters: Uncertain significance (1). 1 of the submissions does not count toward it. Last evaluated 2024-07-23.

Conditions:
DYRK1B-related disorder. Also called: DYRK1B-related condition.

gnomAD v4.1: 5 of 1,517,874 alleles (0.00033%); highest among the groups gnomAD compares: African/African-American, 0.0028%; no homozygotes.

Submissions (2):

Labcorp Genetics (formerly Invitae), Labcorp
Classification: Uncertain significance. Last evaluated: 2024-07-23. Review status: criteria provided, single submitter. Criteria: Invitae Variant Classification Sherloc (09022015). Collection method: clinical testing. Allele origin: germline.
Comment: This sequence change replaces glycine, which is neutral and non-polar, with aspartic acid, which is acidic and polar, at codon 519 of the DYRK1B protein (p.Gly519Asp). This variant is present in population databases (no rsID available, gnomAD 0.01%). This variant has not been reported in the literature in individuals affected with DYRK1B-related conditions. Advanced modeling of protein sequence and biophysical properties (such as structural, functional, and spatial information, amino acid conservation, physicochemical variation, residue mobility, and thermodynamic stability) performed at Invitae indicates that this missense variant is not expected to disrupt DYRK1B protein function with a negative predictive value of 95%. In summary, the available evidence is currently insufficient to determine the role of this variant in disease. Therefore, it has been classified as a Variant of Uncertain Significance.

PreventionGenetics, part of Exact Sciences
Classification: Uncertain significance for DYRK1B-related condition. Last evaluated: 2024-08-20. Review status: no assertion criteria provided. Collection method: clinical testing. Allele origin: germline. Not counted in ClinVar's aggregate classification.
Comment: The DYRK1B c.1556G>A variant is predicted to result in the amino acid substitution p.Gly519Asp. To our knowledge, this variant has not been reported in the literature. This variant is reported in 0.012% of alleles in individuals of African descent in gnomAD. At this time, the clinical significance of this variant is uncertain due to the absence of conclusive functional and genetic evidence.

NM_004714.3(DYRK1B):c.1556G>A (p.Gly519Asp)

Gene: DYRK1B (dual specificity tyrosine phosphorylation regulated kinase 1B; minus strand). Cytogenetic location: 19q13.2.
Variant type: single nucleotide variant.
Coding change: c.1556G>A on transcript NM_004714.3 (MANE Select); coding-DNA position 1556, G replaced by A.
Protein change: p.Gly519Asp; replaces glycine 519 with aspartic acid.
Molecular consequence: missense variant.
Genome position (GRCh38, 1-based): chr19:39,826,049, C>T on the plus strand (G>A on the coding strand, the complement: DYRK1B is on the minus strand). VCF-style: chr19-39826049-C-T. GRCh37 (hg19) VCF-style: chr19-40316689-C-T.
Other names: c.1436G>A, p.Gly479Asp (NM_006483.3); c.1472G>A, p.Gly491Asp (NM_006484.3); short protein forms G479D, G491D, G519D.
Identifiers: ClinVar variation 3358759 (VCV003358759.3).